The following is an entry in ClinVar:

NM_012388.4(BLOC1S6):c.500G>C (p.Arg167Thr)

Gene: BLOC1S6 (biogenesis of lysosomal organelles complex 1 subunit 6; plus strand). Cytogenetic location: 15q21.1.
Variant type: single nucleotide variant.
Coding change: c.500G>C on transcript NM_012388.4 (MANE Select); coding-DNA position 500, G replaced by C.
Protein change: p.Arg167Thr; replaces arginine 167 with threonine.
Molecular consequence: missense variant. On other transcripts: 3 prime UTR variant (1), non-coding transcript variant (10).
Genome position (GRCh38, 1-based): chr15:45,606,495, G>C. VCF-style: chr15-45606495-G-C. GRCh37 (hg19) VCF-style: chr15-45898693-G-C.
Other names: c.515G>C, p.Arg172Thr (NM_001311255.1); c.*151G>C (NM_001311256.1); short protein forms R167T, R172T.
Identifiers: ClinVar variation 1034991 (VCV001034991.8), dbSNP rs770901442, ClinGen allele CA7544393.

ClinVar aggregate classification (germline): Uncertain significance (1 of 4 stars; one submission).

Conditions:
Hermansky-Pudlak syndrome 9 (HPS9). Identifiers: Orphanet 280663, Orphanet 79430, MedGen C3280026, MONDO:0013606, OMIM 614171.

Allele frequency attached by ClinVar (database versions not stated): gnomAD 0.00001; gnomAD exomes 0.00001; TOPMed 0.00001; ExAC 0.00002.
gnomAD v4.1: 10 of 1,614,024 alleles (0.00062%); highest among the groups gnomAD compares: Non-Finnish European, 0.00085%; no homozygotes.

Submission:

Labcorp Genetics (formerly Invitae), Labcorp
Classification: Uncertain significance for Hermansky-Pudlak syndrome 9. Last evaluated: 2024-05-22. Review status: criteria provided, single submitter. Criteria: Invitae Variant Classification Sherloc (09022015). Collection method: clinical testing. Allele origin: germline.
Comment: This sequence change replaces arginine, which is basic and polar, with threonine, which is neutral and polar, at codon 167 of the BLOC1S6 protein (p.Arg167Thr). This variant is present in population databases (rs770901442, gnomAD 0.003%). This variant has not been reported in the literature in individuals affected with BLOC1S6-related conditions. ClinVar contains an entry for this variant (Variation ID: 1034991). An algorithm developed to predict the effect of missense changes on protein structure and function (PolyPhen-2) suggests that this variant is likely to be tolerated. In summary, the available evidence is currently insufficient to determine the role of this variant in disease. Therefore, it has been classified as a Variant of Uncertain Significance.